The following is an entry in ClinVar:

ClinVar aggregate classification (germline): Uncertain significance (1 of 4 stars; one submission).

Conditions:
Autosomal dominant Parkinson disease 8. Also called: LRRK2-Related Parkinson Disease; Parkinson disease 8; Parkinson disease 8, susceptibility to. Identifiers: Orphanet 411602, MedGen C1846862, MONDO:0011764, OMIM 607060.

Submission:

Labcorp Genetics (formerly Invitae), Labcorp
Classification: Uncertain significance for Autosomal dominant Parkinson disease 8. Last evaluated: 2023-08-27. Review status: criteria provided, single submitter. Criteria: Invitae Variant Classification Sherloc (09022015). Collection method: clinical testing. Allele origin: germline.
Comment: This sequence change replaces asparagine, which is neutral and polar, with serine, which is neutral and polar, at codon 2313 of the LRRK2 protein (p.Asn2313Ser). This variant is not present in population databases (gnomAD no frequency). This missense change has been observed in individual(s) with Parkinson disease (PMID: 30049590). Advanced modeling of protein sequence and biophysical properties (such as structural, functional, and spatial information, amino acid conservation, physicochemical variation, residue mobility, and thermodynamic stability) performed at Invitae indicates that this missense variant is not expected to disrupt LRRK2 protein function. Experimental studies have shown that this missense change does not substantially affect LRRK2 function (PMID: 35950872). In summary, the available evidence is currently insufficient to determine the role of this variant in disease. Therefore, it has been classified as a Variant of Uncertain Significance.

Literature cited by the submitters: PubMed 30049590; PubMed 35950872.

NM_198578.4(LRRK2):c.6938A>G (p.Asn2313Ser)

Gene: LRRK2 (leucine rich repeat kinase 2; plus strand). Cytogenetic location: 12q12.
Variant type: single nucleotide variant.
Coding change: c.6938A>G on transcript NM_198578.4 (MANE Select); coding-DNA position 6938, A replaced by G.
Protein change: p.Asn2313Ser; replaces asparagine 2313 with serine.
Molecular consequence: missense variant.
Genome position (GRCh38, 1-based): chr12:40,359,354, A>G. VCF-style: chr12-40359354-A-G. GRCh37 (hg19) VCF-style: chr12-40753156-A-G.
Other names: short protein forms N2313S.
Identifiers: ClinVar variation 2915475 (VCV002915475.3), dbSNP rs1946635598, ClinGen allele CA384411793.